The following is an entry in ClinVar:

ClinVar aggregate classification (germline): Pathogenic/Likely pathogenic. Review status: criteria provided, multiple submitters, no conflicts (2 of 4 stars). 7 submissions from 7 submitters: Pathogenic (4); Likely pathogenic (1). 2 of the submissions do not count toward it. Last evaluated 2025-08-05.

Conditions:
Maple syrup urine disease type 1A (MSUD1A). Also called: MSUD type 1A. Identifiers: MedGen C1855369, MONDO:0023691, OMIM 248600.
Maple syrup urine disease (MSUD). Identifiers: Orphanet 511, MedGen C0024776, MeSH D008375, MONDO:0009563. Disease mechanism: loss of function.

Allele frequency attached by ClinVar (database versions not stated): gnomAD 0.00001; TOPMed 0.00001; gnomAD exomes 0.00002 and 0.00001; ExAC 0.00004.
gnomAD v4.1: 13 of 1,613,490 alleles (0.00081%); highest among the groups gnomAD compares: East Asian, 0.0022%; no homozygotes.

Submissions (7):

Natera, Inc.
Classification: Pathogenic for Maple syrup urine disease type 1A. Last evaluated: 2025-08-05. Review status: criteria provided, single submitter. Criteria: Natera Variant Classification Schema (03/2026). Collection method: clinical testing. Allele origin: germline.
Comment: The c.632C>T variant in BCKDHA is a missense variant predicted to cause substitution of threonine to methionine at amino acid 211. This variant is rare in the general population with a frequency below the threshold expected for the associated phenotype(s). This variant has been observed in one or more individuals affected with the associated recessive disease, as either homozygous or compound heterozygous with a second variant (PMID: 10745006, 21844576, 19715473). Functional studies show that this variant may disrupt protein function (PMID: 10745006). Computational prediction algorithms indicate this variant is likely to affect gene or protein function. Given the available evidence, this variant is classified as Pathogenic.

Fulgent Genetics
Classification: Likely pathogenic for Maple syrup urine disease type 1A. Last evaluated: 2024-04-11. Review status: criteria provided, single submitter. Criteria: ACMG Guidelines, 2015. Collection method: clinical testing. Allele origin: germline.

Labcorp Genetics (formerly Invitae), Labcorp
Classification: Pathogenic for Maple syrup urine disease. Last evaluated: 2024-03-05. Review status: criteria provided, single submitter. Criteria: Invitae Variant Classification Sherloc (09022015). Collection method: clinical testing. Allele origin: germline.
Comment: This sequence change replaces threonine, which is neutral and polar, with methionine, which is neutral and non-polar, at codon 211 of the BCKDHA protein (p.Thr211Met). This variant is present in population databases (rs398123503, gnomAD 0.01%). This missense change has been observed in individual(s) with Maple syrup urine disease (PMID: 10745006, 19715473, 21844576). In at least one individual the data is consistent with being in trans (on the opposite chromosome) from a pathogenic variant. This variant is also known as T166M. ClinVar contains an entry for this variant (Variation ID: 93365). Advanced modeling of protein sequence and biophysical properties (such as structural, functional, and spatial information, amino acid conservation, physicochemical variation, residue mobility, and thermodynamic stability) performed at Invitae indicates that this missense variant is expected to disrupt BCKDHA protein function with a positive predictive value of 95%. Experimental studies have shown that this missense change affects BCKDHA function (PMID: 11069910, 19715473). For these reasons, this variant has been classified as Pathogenic.

Genome-Nilou Lab
Classification: Pathogenic for Maple syrup urine disease type 1A. Last evaluated: 2021-11-07. Review status: criteria provided, single submitter. Criteria: ACMG Guidelines, 2015. Collection method: clinical testing. Allele origin: germline. Affected: no.

Eurofins Ntd Llc (ga)
Classification: Pathogenic. Last evaluated: 2013-08-23. Review status: criteria provided, single submitter. Criteria: EGL Classification Definitions. Collection method: clinical testing. Allele origin: germline. Observed: 2 variant alleles, 2 heterozygotes.

Counsyl
Classification: Likely pathogenic for Maple syrup urine disease type 1A. Last evaluated: 2017-11-13. Review status: no assertion criteria provided. Collection method: clinical testing. Allele origin: unknown. Not counted in ClinVar's aggregate classification.

Neonatal Disease Screening Center, Medical Genetics Center, Huaihua City Maternal and Child Health Care Hospital
Classification: Likely pathogenic for Maple syrup urine disease type 1A. Review status: no assertion criteria provided. Criteria: ACMG Guidelines, 2015. Collection method: clinical testing. Allele origin: germline. Affected: yes. Observed: 1 variant allele. Not counted in ClinVar's aggregate classification.
Comment: PS3+PM2_P+PM3+PP4

Literature cited by the submitters: PubMed 10745006 (cited by 3 submitters); PubMed 21844576 (cited by 3 submitters); PubMed 19715473 (cited by 3 submitters); PubMed 11069910 (cited by Labcorp Genetics (formerly Invitae), Labcorp and Counsyl).

NM_000709.4(BCKDHA):c.632C>T (p.Thr211Met)

Gene: BCKDHA (branched chain keto acid dehydrogenase E1 subunit alpha; plus strand). Cytogenetic location: 19q13.2.
Variant type: single nucleotide variant.
Coding change: c.632C>T on transcript NM_000709.4 (MANE Select); coding-DNA position 632, C replaced by T.
Protein change: p.Thr211Met; replaces threonine 211 with methionine.
Molecular consequence: missense variant.
Genome position (GRCh38, 1-based): chr19:41,419,282, C>T. VCF-style: chr19-41419282-C-T. GRCh37 (hg19) VCF-style: chr19-41925187-C-T.
Other names: c.632C>T, p.Thr211Met (NM_001164783.2); short protein forms T211M.
Identifiers: ClinVar variation 93365 (VCV000093365.24), dbSNP rs398123503, ClinGen allele CA221206.